The following is an entry in ClinVar:

ClinVar aggregate classification (germline): Uncertain significance (1 of 4 stars; one submission).

Conditions:
Long QT syndrome (LQTS). Identifiers: MedGen C0023976, MeSH D008133, MONDO:0002442. Disease mechanism: loss of function. Inheritance: Various modes of inheritance.

Submission:

Labcorp Genetics (formerly Invitae), Labcorp
Classification: Uncertain significance for Long QT syndrome. Last evaluated: 2022-11-01. Review status: criteria provided, single submitter. Criteria: Invitae Variant Classification Sherloc (09022015). Collection method: clinical testing. Allele origin: germline.
Comment: This variant is not present in population databases (gnomAD no frequency). This sequence change replaces glycine, which is neutral and non-polar, with alanine, which is neutral and non-polar, at codon 1158 of the KCNH2 protein (p.Gly1158Ala). This variant has not been reported in the literature in individuals affected with KCNH2-related conditions. In summary, the available evidence is currently insufficient to determine the role of this variant in disease. Therefore, it has been classified as a Variant of Uncertain Significance. Algorithms developed to predict the effect of missense changes on protein structure and function are either unavailable or do not agree on the potential impact of this missense change (SIFT: "Deleterious"; PolyPhen-2: "Probably Damaging"; Align-GVGD: "Class C0"). ClinVar contains an entry for this variant (Variation ID: 939464).

NM_000238.4(KCNH2):c.3473G>C (p.Gly1158Ala)

Gene: KCNH2 (potassium voltage-gated channel subfamily H member 2; minus strand). Cytogenetic location: 7q36.1.
Variant type: single nucleotide variant.
Coding change: c.3473G>C on transcript NM_000238.4 (MANE Select); coding-DNA position 3473, G replaced by C.
Protein change: p.Gly1158Ala; replaces glycine 1158 with alanine.
Molecular consequence: missense variant.
Genome position (GRCh38, 1-based): chr7:150,945,372, C>G on the plus strand (G>C on the coding strand, the complement: KCNH2 is on the minus strand). VCF-style: chr7-150945372-C-G. GRCh37 (hg19) VCF-style: chr7-150642460-C-G.
Other names: c.2453G>C, p.Gly818Ala (NM_172057.3); short protein forms G818A, G1158A.
Identifiers: ClinVar variation 939464 (VCV000939464.9), dbSNP rs1800852263, ClinGen allele CA369851348.
Genomic context (GRCh38, chr7:150,945,372, plus strand): 5'-CCAGCAGCGCCTTGATCCCTGGGTGAGCCACGTGTCCACACTGGGCAGCCCCACTAACTG[C>G]CCGGGTCCGAGCCGTGTCTGTGCAGGGGCTGGGAGGTGAGGGCCCCCAGCTGGCCCGGTA-3'
Protein context (NP_000229.1, residues 1148-1159): QPLHRHGSDP[Gly1158Ala]S